The following is an entry in ClinVar:

ClinVar aggregate classification (germline): Conflicting classifications of pathogenicity. Review status: criteria provided, conflicting classifications (1 of 4 stars). 2 submissions from 2 submitters: Uncertain significance (1); Likely benign (1). Last evaluated 2024-07-22.

Conditions:
Dilated cardiomyopathy 1G (CMD1G). Identifiers: Orphanet 154, MedGen C1858763, MONDO:0011400, OMIM 604145.
Autosomal recessive limb-girdle muscular dystrophy type 2J (LGMDR10). Also called: MUSCULAR DYSTROPHY, LIMB-GIRDLE, AUTOSOMAL RECESSIVE 10; Limb-girdle muscular dystrophy, type 2J. Identifiers: Orphanet 140922, MedGen C1837342, MONDO:0012127, OMIM 608807.

Allele frequency attached by ClinVar (database versions not stated): gnomAD 0.00001; TOPMed 0.00001; ExAC 0.00002; gnomAD exomes 0.00002.
gnomAD v4.1: 12 of 1,613,812 alleles (0.00074%); highest among the groups gnomAD compares: South Asian, 0.0077%; no homozygotes.

Submissions (2):

Labcorp Genetics (formerly Invitae), Labcorp
Classification: Uncertain significance for Dilated cardiomyopathy 1G; Autosomal recessive limb-girdle muscular dystrophy type 2J. Last evaluated: 2024-07-22. Review status: criteria provided, single submitter. Criteria: Invitae Variant Classification Sherloc (09022015). Collection method: clinical testing. Allele origin: germline.
Comment: This sequence change replaces arginine, which is basic and polar, with glutamine, which is neutral and polar, at codon 34698 of the TTN protein (p.Arg34698Gln). This variant is present in population databases (rs757940030, gnomAD 0.02%). This variant has not been reported in the literature in individuals affected with TTN-related conditions. ClinVar contains an entry for this variant (Variation ID: 203076). Experimental studies and prediction algorithms are not available or were not evaluated, and the functional significance of this variant is currently unknown. This variant is located in the M band of TTN (PMID: 25589632). Non-truncating variants in this region may be relevant for neuromuscular disorders, but have not been definitively shown to cause cardiomyopathy (PMID: 23975875). In summary, the available evidence is currently insufficient to determine the role of this variant in disease. Therefore, it has been classified as a Variant of Uncertain Significance.

GeneDx
Classification: Likely benign. Last evaluated: 2017-12-11. Review status: criteria provided, single submitter. Criteria: GeneDx Variant Classification (06012015). Collection method: clinical testing. Allele origin: germline. Affected: yes.
Comment: This variant is considered likely benign or benign based on one or more of the following criteria: it is a conservative change, it occurs at a poorly conserved position in the protein, it is predicted to be benign by multiple in silico algorithms, and/or has population frequency not consistent with disease.

Literature cited by the submitters: PubMed 25589632 (cited by Labcorp Genetics (formerly Invitae), Labcorp); PubMed 23975875 (cited by Labcorp Genetics (formerly Invitae), Labcorp).

NM_001267550.2(TTN):c.104093G>A (p.Arg34698Gln)

Genes: TTN (titin; minus strand), TTN-AS1 (TTN antisense RNA 1; plus strand). Cytogenetic location: 2q31.2.
Variant type: single nucleotide variant.
Coding change: c.104093G>A on transcript NM_001267550.2 (MANE Select); coding-DNA position 104093, G replaced by A.
Protein change: p.Arg34698Gln; replaces arginine 34698 with glutamine.
Molecular consequence: missense variant.
Genome position (GRCh38, 1-based): chr2:178,532,522, C>T on the plus strand (G>A on the coding strand, the complement: TTN is on the minus strand). VCF-style: chr2-178532522-C-T. GRCh37 (hg19) VCF-style: chr2-179397249-C-T.
Other names: p.R33057Q:CGA>CAA; c.99170G>A, p.Arg33057Gln (NM_001256850.1); c.76898G>A, p.Arg25633Gln (NM_003319.4); c.96389G>A, p.Arg32130Gln (NM_133378.4); c.77273G>A, p.Arg25758Gln (NM_133432.3); c.77474G>A, p.Arg25825Gln (NM_133437.4); short protein forms R33057Q, R34698Q, R25758Q, R25825Q, R25633Q, R32130Q.
Identifiers: ClinVar variation 203076 (VCV000203076.6), dbSNP rs757940030, ClinGen allele CA311166.